The following is an entry in ClinVar:

ClinVar aggregate classification (germline): Uncertain significance (1 of 4 stars; one submission).

gnomAD v4.1: 1 of 1,614,072 alleles (0.000062%); highest among the groups gnomAD compares: Non-Finnish European, 0.000085%; no homozygotes.

Submission:

CeGaT Center for Human Genetics Tuebingen
Classification: Uncertain significance. Last evaluated: 2026-07-01. Review status: criteria provided, single submitter. Criteria: CeGaT Center For Human Genetics Tuebingen Variant Classification Criteria Version 2. Collection method: clinical testing. Allele origin: germline. Affected: yes. Observed: 1 variant allele.
Comment: RIT1: PM2

NM_006912.6(RIT1):c.530C>T (p.Ala177Val)

Gene: RIT1 (Ras like without CAAX 1; minus strand). Cytogenetic location: 1q22.
Variant type: single nucleotide variant.
Coding change: c.530C>T on transcript NM_006912.6 (MANE Select); coding-DNA position 530, C replaced by T.
Protein change: p.Ala177Val; replaces alanine 177 with valine.
Molecular consequence: missense variant.
Genome position (GRCh38, 1-based): chr1:155,900,518, G>A on the plus strand (C>T on the coding strand, the complement: RIT1 is on the minus strand). VCF-style: chr1-155900518-G-A. GRCh37 (hg19) VCF-style: chr1-155870309-G-A.
Other names: c.422C>T, p.Ala141Val (NM_001256820.2); c.581C>T, p.Ala194Val (NM_001256821.2); short protein forms A141V, A177V, A194V.
Identifiers: ClinVar variation 5040092 (VCV005040092.1).